The following is an entry in ClinVar:

ClinVar aggregate classification (germline): Uncertain significance (1 of 4 stars; one submission).

Conditions:
Familial cancer of breast. Also called: Hereditary breast cancer; hereditary breast carcinoma; BREAST CANCER, FAMILIAL. Identifiers: Orphanet 227535, MedGen C0346153, MONDO:0016419, OMIM 114480. Disease mechanism: loss of function.
Fanconi anemia complementation group J. Also called: BRIP1-Related Fanconi Anemia. Identifiers: Orphanet 84, MedGen C1836860, MONDO:0012187, OMIM 609054.

Submission:

Labcorp Genetics (formerly Invitae), Labcorp
Classification: Uncertain significance for Familial cancer of breast; Fanconi anemia complementation group J. Last evaluated: 2023-07-10. Review status: criteria provided, single submitter. Criteria: Invitae Variant Classification Sherloc (09022015). Collection method: clinical testing. Allele origin: germline.
Comment: This variant has not been reported in the literature in individuals affected with BRIP1-related conditions. This variant is not present in population databases (gnomAD no frequency). This sequence change replaces alanine, which is neutral and non-polar, with proline, which is neutral and non-polar, at codon 1167 of the BRIP1 protein (p.Ala1167Pro). ClinVar contains an entry for this variant (Variation ID: 1039169). In summary, the available evidence is currently insufficient to determine the role of this variant in disease. Therefore, it has been classified as a Variant of Uncertain Significance. An algorithm developed to predict the effect of missense changes on protein structure and function (PolyPhen-2) suggests that this variant is likely to be tolerated.

NM_032043.3(BRIP1):c.3499G>C (p.Ala1167Pro)

Gene: BRIP1 (BRCA1 interacting DNA helicase 1; minus strand). Cytogenetic location: 17q23.2.
Variant type: single nucleotide variant.
Coding change: c.3499G>C on transcript NM_032043.3 (MANE Select); coding-DNA position 3499, G replaced by C.
Protein change: p.Ala1167Pro; replaces alanine 1167 with proline.
Molecular consequence: missense variant.
Genome position (GRCh38, 1-based): chr17:61,683,547, C>G on the plus strand (G>C on the coding strand, the complement: BRIP1 is on the minus strand). VCF-style: chr17-61683547-C-G. GRCh37 (hg19) VCF-style: chr17-59760908-C-G.
Other names: short protein forms A1167P.
Identifiers: ClinVar variation 1039169 (VCV001039169.9), dbSNP rs1555572570, ClinGen allele CA400478523.
Genomic context (GRCh38, chr17:61,683,547, plus strand): 5'-CTTTCACTTCTCTGGCTGAATCTACTTCTTTTATAGTTCTAATTTCAAAAAGGTCTTTAG[C>G]TAAAATGCAATCTGAATTGTTAGCCAATCTATTTCCTCTATCAGTTTCAGCTAGGTCATT-3'
Protein context (NP_114432.2, residues 1157-1177): RLANNSDCIL[Ala1167Pro]KDLFEIRTIK